The following is an entry in ClinVar:

NM_000359.3(TGM1):c.631del (p.Thr211fs)

Gene: TGM1 (transglutaminase 1; minus strand). Cytogenetic location: 14q12.
Variant type: Deletion.
Coding change: c.631del on transcript NM_000359.3 (MANE Select); coding-DNA position 631, one base deleted (A; older notation c.631delA).
Protein change: p.Thr211fs; shifts the reading frame from threonine 211.
Molecular consequence: frameshift variant.
Genome position (GRCh38, 1-based): chr14:24,260,576, T deleted on the plus strand (A on the coding strand, the reverse complement: TGM1 is on the minus strand). VCF-style (leftmost placement, unchanged base first): chr14-24260575-GT-G. GRCh37 (hg19) VCF-style: chr14-24729781-GT-G.
Other names: short protein forms T211fs.
Identifiers: ClinVar variation 2750440 (VCV002750440.3), dbSNP rs2502505831, ClinGen allele CA2697553897.
Genomic context (GRCh38, chr14:24,260,575, plus strand): 5'-CCAGCGTCTGATTGTGTGCGGACTGTGAACTGAAACTTGCCGATGATGGCGTTGGGGGAA[GT>G]GTGGACCCGCAGGTTCAGATTCTGCCCACTGGCCTTGACCACCTGGGCTTTCCAGCCTCC-3'

ClinVar aggregate classification (germline): Pathogenic (1 of 4 stars; one submission).

Submission:

Labcorp Genetics (formerly Invitae), Labcorp
Classification: Pathogenic. Last evaluated: 2023-08-05. Review status: criteria provided, single submitter. Criteria: Invitae Variant Classification Sherloc (09022015). Collection method: clinical testing. Allele origin: germline.
Comment: This sequence change creates a premature translational stop signal (p.Thr211Leufs*119) in the TGM1 gene. It is expected to result in an absent or disrupted protein product. Loss-of-function variants in TGM1 are known to be pathogenic (PMID: 18948357, 19241467). This variant is not present in population databases (gnomAD no frequency). This variant has not been reported in the literature in individuals affected with TGM1-related conditions. For these reasons, this variant has been classified as Pathogenic.

Literature cited by the submitters: PubMed 18948357; PubMed 19241467.